The following is an entry in ClinVar:

ClinVar aggregate classification (germline): Uncertain significance (1 of 4 stars; one submission).

gnomAD v4.1: 1 of 1,613,926 alleles (0.000062%); highest among the groups gnomAD compares: African/African-American, 0.0013%; no homozygotes.

Submission:

GeneDx
Classification: Uncertain significance. Last evaluated: 2025-05-14. Review status: criteria provided, single submitter. Criteria: GeneDx Variant Classification Process June 2021. Collection method: clinical testing. Allele origin: germline. Affected: yes.
Comment: Reported in the published literature; however, the reported proband's clinical presentation is consistent with hereditary neuropathy with liability to pressure palsies (PMID: 40343019); Not observed at significant frequency in large population cohorts (gnomAD); In silico analysis supports that this missense variant has a deleterious effect on protein structure/function; This variant is associated with the following publications: (PMID: 40343019)

NM_000304.4(PMP22):c.188A>G (p.Gln63Arg)

Gene: PMP22 (peripheral myelin protein 22; minus strand). Cytogenetic location: 17p12.
Variant type: single nucleotide variant.
Coding change: c.188A>G on transcript NM_000304.4 (MANE Select); coding-DNA position 188, A replaced by G.
Protein change: p.Gln63Arg; replaces glutamine 63 with arginine.
Molecular consequence: missense variant. On other transcripts: non-coding transcript variant (2).
Genome position (GRCh38, 1-based): chr17:15,239,602, T>C on the plus strand (A>G on the coding strand, the complement: PMP22 is on the minus strand). VCF-style: chr17-15239602-T-C. GRCh37 (hg19) VCF-style: chr17-15142919-T-C.
Other names: c.188A>G, p.Gln63Arg (NM_001281455.2, NM_001281456.2, NM_001330143.2 and 2 more transcripts); short protein forms Q63R.
Identifiers: ClinVar variation 4529609 (VCV004529609.1).